The following is an entry in ClinVar:

ClinVar aggregate classification (germline): Uncertain significance (1 of 4 stars; one submission).

Conditions:
Duchenne muscular dystrophy (DMD). Also called: Duchenne Muscular Dystrophy (DMD); MUSCULAR DYSTROPHY, PSEUDOHYPERTROPHIC PROGRESSIVE, DUCHENNE TYPE. Identifiers: Orphanet 98896, MedGen C0013264, MONDO:0010679, OMIM 310200.

Submission:

Labcorp Genetics (formerly Invitae), Labcorp
Classification: Uncertain significance for Duchenne muscular dystrophy. Last evaluated: 2024-10-20. Review status: criteria provided, single submitter. Criteria: Invitae Variant Classification Sherloc (09022015). Collection method: clinical testing. Allele origin: germline.
Comment: This sequence change replaces proline, which is neutral and non-polar, with alanine, which is neutral and non-polar, at codon 312 of the DMD protein (p.Pro312Ala). This variant is not present in population databases (gnomAD no frequency). This variant has not been reported in the literature in individuals affected with DMD-related conditions. Invitae Evidence Modeling of protein sequence and biophysical properties (such as structural, functional, and spatial information, amino acid conservation, physicochemical variation, residue mobility, and thermodynamic stability) indicates that this missense variant is not expected to disrupt DMD protein function with a negative predictive value of 95%. In summary, the available evidence is currently insufficient to determine the role of this variant in disease. Therefore, it has been classified as a Variant of Uncertain Significance.

NM_004006.3(DMD):c.934C>G (p.Pro312Ala)

Gene: DMD (dystrophin; minus strand). Cytogenetic location: Xp21.1.
Variant type: single nucleotide variant.
Coding change: c.934C>G on transcript NM_004006.3 (MANE Select); coding-DNA position 934, C replaced by G.
Protein change: p.Pro312Ala; replaces proline 312 with alanine.
Molecular consequence: missense variant.
Genome position (GRCh38, 1-based): chrX:32,697,896, G>C on the plus strand (C>G on the coding strand, the complement: DMD is on the minus strand). VCF-style: chrX-32697896-G-C. GRCh37 (hg19) VCF-style: chrX-32716013-G-C.
Other names: c.910C>G, p.Pro304Ala (NM_000109.4); c.922C>G, p.Pro308Ala (NM_004009.3); c.565C>G, p.Pro189Ala (NM_004010.3); short protein forms P304A, P308A, P312A, P189A.
Identifiers: ClinVar variation 3714642 (VCV003714642.2).